The following is an entry in ClinVar:

ClinVar aggregate classification (germline): Benign/Likely benign. Review status: criteria provided, multiple submitters, no conflicts (2 of 4 stars). 2 submissions from 2 submitters: Benign (1); Likely benign (1). Last evaluated 2026-06-12.

Conditions:
Colorectal cancer, susceptibility to, 1. Also called: COLORECTAL ADENOMA AND CANCER, SUSCEPTIBILITY TO; COLORECTAL CANCER, SUSCEPTIBILITY TO, ON CHROMOSOME 9. Identifiers: MedGen C1837315, MONDO:0012132, OMIM 608812.

gnomAD v4.1: 1 of 1,180,800 alleles (0.000085%); highest among the groups gnomAD compares: Non-Finnish European, 0.0001%; no homozygotes.

Submissions (2):

Ambry Genetics
Classification: Likely benign. Last evaluated: 2026-06-12. Review status: criteria provided, single submitter. Criteria: Ambry Variant Classification Scheme 2023. Collection method: clinical testing. Allele origin: germline.

Myriad Genetics, Inc.
Classification: Benign for Colorectal cancer, susceptibility to, 1. Last evaluated: 2026-04-22. Review status: criteria provided, single submitter. Criteria: Myriad Autosomal Dominant, Autosomal Recessive and X-Linked Classification Criteria (2023). Collection method: clinical testing. Allele origin: unknown.
Comment: This variant is considered benign. This variant is a silent/synonymous amino acid change and it is not expected to impact splicing.

NM_024642.5(GALNT12):c.24G>T (p.Arg8=)

Gene: GALNT12 (polypeptide N-acetylgalactosaminyltransferase 12; plus strand). Cytogenetic location: 9q22.33.
Variant type: single nucleotide variant.
Coding change: c.24G>T on transcript NM_024642.5 (MANE Select); coding-DNA position 24, G replaced by T.
Protein change: p.Arg8=; no amino-acid change (arginine 8 retained).
Molecular consequence: synonymous variant.
Genome position (GRCh38, 1-based): chr9:98,807,722, G>T. VCF-style: chr9-98807722-G-T. GRCh37 (hg19) VCF-style: chr9-101570004-G-T.
Identifiers: ClinVar variation 4871655 (VCV004871655.2).